The following is an entry in ClinVar:

ClinVar aggregate classification (germline): Uncertain significance (1 of 4 stars; one submission).

Conditions:
Cardiovascular phenotype. Identifiers: MedGen CN230736.

Allele frequency attached by ClinVar (database versions not stated): gnomAD exomes below 0.00001.
gnomAD v4.1: 1 of 1,556,822 alleles (0.000064%); highest among the groups gnomAD compares: African/African-American, 0.0014%; no homozygotes.

Submission:

Ambry Genetics
Classification: Uncertain significance for Cardiovascular phenotype. Last evaluated: 2023-10-27. Review status: criteria provided, single submitter. Criteria: Ambry Variant Classification Scheme 2023. Collection method: clinical testing. Allele origin: germline.
Comment: The p.K396E variant (also known as c.1186A>G), located in coding exon 16 of the TRDN gene, results from an A to G substitution at nucleotide position 1186. The amino acid change results in lysine to glutamic acid at codon 396, an amino acid with similar properties. However, this change occurs in the last base pair of coding exon 16, which makes it likely to have some effect on normal mRNA splicing. This nucleotide position is highly conserved in available vertebrate species. This amino acid position is highly conserved in available vertebrate species. In silico splice site analysis predicts that this alteration will result in the creation or strengthening of a novel splice acceptor site. In addition, as a missense substitution this is predicted to be tolerate by in silico analysis. Since supporting evidence is limited at this time, the clinical significance of this alteration remains unclear.

NM_006073.4(TRDN):c.1186A>G (p.Lys396Glu)

Gene: TRDN (triadin; minus strand). Cytogenetic location: 6q22.31.
Variant type: single nucleotide variant.
Coding change: c.1186A>G on transcript NM_006073.4 (MANE Select); coding-DNA position 1186, A replaced by G.
Protein change: p.Lys396Glu; replaces lysine 396 with glutamic acid.
Molecular consequence: missense variant.
Genome position (GRCh38, 1-based): chr6:123,381,370, T>C on the plus strand (A>G on the coding strand, the complement: TRDN is on the minus strand). VCF-style: chr6-123381370-T-C. GRCh37 (hg19) VCF-style: chr6-123702515-T-C.
Other names: c.1189A>G, p.Lys397Glu (NM_001251987.2); c.1129A>G, p.Lys377Glu (NM_001407315.1); short protein forms K377E, K396E, K397E.
Identifiers: ClinVar variation 3225231 (VCV003225231.1), dbSNP rs1473448628, ClinGen allele CA365566666.
Genomic context (GRCh38, chr6:123,381,370, plus strand): 5'-GCAGGCAAATAATAGTAGTAAAAAAAAAAGTACACAAATACACTGCATGCATTTCCTTAC[T>C]TTTTCCCTTGGGTTGTTCTACTGAAAGAAATACAAACAAAATCATTGCTCTTAAAACTTT-3'
Protein context (NP_006064.2, residues 386-406): PAEVEQPKGK[Lys396Glu]QEKKEKHVEP